The following is an entry in ClinVar:

ClinVar aggregate classification (germline): Benign (1 of 4 stars; one submission).

Conditions:
Spinocerebellar ataxia, autosomal recessive, with axonal neuropathy 1 (SCAN1). Identifiers: Orphanet 94124, MedGen C4759870, MONDO:0011801, OMIM 607250.

Allele frequency attached by ClinVar (database versions not stated): gnomAD 0.00504 and 0.00542; 1000 Genomes Project 0.00539; 1000 Genomes Project 30x 0.00562; TOPMed 0.00592.

Submission:

Illumina Laboratory Services, Illumina
Classification: Benign for Spinocerebellar ataxia, autosomal recessive, with axonal neuropathy 1. Last evaluated: 2018-01-12. Review status: criteria provided, single submitter. Criteria: ICSL Variant Classification Criteria 13 December 2019. Collection method: clinical testing. Allele origin: germline.
Comment: This variant was observed in the ICSL laboratory as part of a predisposition screen in an ostensibly healthy population. It had not been previously curated by ICSL or reported in the Human Gene Mutation Database (HGMD: prior to June 1st, 2018), and was therefore a candidate for classification through an automated scoring system. Utilizing variant allele frequency, disease prevalence and penetrance estimates, and inheritance mode, an automated score was calculated to assess if this variant is too frequent to cause the disease. Based on the score and internal cut-off values, a variant classified as benign is not then subjected to further curation. The score for this variant resulted in a classification of benign for this disease.

NM_018319.4(TDP1):c.*1105A>G

Gene: TDP1 (tyrosyl-DNA phosphodiesterase 1; plus strand). Cytogenetic location: 14q32.11.
Variant type: single nucleotide variant.
Coding change: c.*1105A>G on transcript NM_018319.4 (MANE Select); 1105 bases downstream of the stop codon, A replaced by G.
Molecular consequence: 3 prime UTR variant.
Genome position (GRCh38, 1-based): chr14:90,044,248, A>G. VCF-style: chr14-90044248-A-G. GRCh37 (hg19) VCF-style: chr14-90510592-A-G.
Other names: c.*1105A>G (NM_001008744.2); c.*1086A>G (NM_001330205.2).
Identifiers: ClinVar variation 888337 (VCV000888337.4), dbSNP rs34815305, ClinGen allele CA264594520.